The following is an entry in ClinVar:

ClinVar aggregate classification (germline): Uncertain significance. Review status: criteria provided, multiple submitters, no conflicts (2 of 4 stars). 2 submissions from 2 submitters: Uncertain significance (2). Last evaluated 2025-08-12.

Conditions:
Inborn genetic diseases. Identifiers: MedGen C0950123, MeSH D030342.
Retinitis pigmentosa 59 (RP59). Identifiers: Orphanet 791, MedGen C3151227, MONDO:0013468, OMIM 613861.

Submissions (2):

Ambry Genetics
Classification: Uncertain significance for Inborn genetic diseases. Last evaluated: 2025-08-12. Review status: criteria provided, single submitter. Criteria: Ambry Variant Classification Scheme 2023. Collection method: clinical testing. Allele origin: germline.

Labcorp Genetics (formerly Invitae), Labcorp
Classification: Uncertain significance for Retinitis pigmentosa 59. Last evaluated: 2022-07-26. Review status: criteria provided, single submitter. Criteria: Invitae Variant Classification Sherloc (09022015). Collection method: clinical testing. Allele origin: germline.
Comment: This sequence change replaces glutamine, which is neutral and polar, with histidine, which is basic and polar, at codon 248 of the DHDDS protein (p.Gln248His). This variant is not present in population databases (gnomAD no frequency). This variant has not been reported in the literature in individuals affected with DHDDS-related conditions. ClinVar contains an entry for this variant (Variation ID: 1381551). Algorithms developed to predict the effect of missense changes on protein structure and function are either unavailable or do not agree on the potential impact of this missense change (SIFT: "Deleterious"; PolyPhen-2: "Probably Damaging"; Align-GVGD: "Class C0"). In summary, the available evidence is currently insufficient to determine the role of this variant in disease. Therefore, it has been classified as a Variant of Uncertain Significance.

NM_205861.3(DHDDS):c.744G>C (p.Gln248His)

Gene: DHDDS (dehydrodolichyl diphosphate synthase subunit; plus strand). Cytogenetic location: 1p36.11.
Variant type: single nucleotide variant.
Coding change: c.744G>C on transcript NM_205861.3 (MANE Select); coding-DNA position 744, G replaced by C.
Protein change: p.Gln248His; replaces glutamine 248 with histidine.
Molecular consequence: missense variant.
Genome position (GRCh38, 1-based): chr1:26,460,123, G>C. VCF-style: chr1-26460123-G-C. GRCh37 (hg19) VCF-style: chr1-26786614-G-C.
Other names: c.642G>C, p.Gln214His (NM_001243564.2); c.627G>C, p.Gln209His (NM_001243565.2); c.465G>C, p.Gln155His (NM_001319959.2); c.744G>C, p.Gln248His (NM_024887.4); c.744G>C (NM_024887.3); short protein forms Q209H, Q214H, Q248H, Q155H.
Identifiers: ClinVar variation 1381551 (VCV001381551.6), dbSNP rs2075407784, ClinGen allele CA339145319.
Genomic context (GRCh38, chr1:26,460,123, plus strand): 5'-ACCCGTTCTGTGGCCAGAGTATACATTTTGGAACCTCTTCGAGGCCATCCTGCAGTTCCA[G>C]ATGAACCATAGCGTGCTTCAGGTAAGAAAGAGTTCAGGGCTGGCCAGATGGGATGGGATG-3'
Protein context (NP_995583.1, residues 238-258): WNLFEAILQF[Gln248His]MNHSVLQKAR